The following is an entry in ClinVar:

ClinVar aggregate classification (germline): Likely benign. Review status: criteria provided, multiple submitters, no conflicts (2 of 4 stars). 3 submissions from 3 submitters: Likely benign (3). Last evaluated 2026-01-01.

Conditions:
Cardiovascular phenotype. Identifiers: MedGen CN230736.
Autosomal recessive limb-girdle muscular dystrophy type 2J (LGMDR10). Also called: MUSCULAR DYSTROPHY, LIMB-GIRDLE, AUTOSOMAL RECESSIVE 10; Limb-girdle muscular dystrophy, type 2J. Identifiers: Orphanet 140922, MedGen C1837342, MONDO:0012127, OMIM 608807.
Dilated cardiomyopathy 1G (CMD1G). Identifiers: Orphanet 154, MedGen C1858763, MONDO:0011400, OMIM 604145.

Allele frequency attached by ClinVar (database versions not stated): gnomAD exomes 0.00001.
gnomAD v4.1: 19 of 1,613,434 alleles (0.0012%); highest among the groups gnomAD compares: Non-Finnish European, 0.0014%; no homozygotes.

Submissions (3):

CeGaT Center for Human Genetics Tuebingen
Classification: Likely benign. Last evaluated: 2026-01-01. Review status: criteria provided, single submitter. Criteria: CeGaT Center For Human Genetics Tuebingen Variant Classification Criteria Version 2. Collection method: clinical testing. Allele origin: germline. Affected: yes. Observed: 1 variant allele.
Comment: TTN: BP4, BP7

Labcorp Genetics (formerly Invitae), Labcorp
Classification: Likely benign for Dilated cardiomyopathy 1G; Autosomal recessive limb-girdle muscular dystrophy type 2J. Last evaluated: 2023-09-17. Review status: criteria provided, single submitter. Criteria: Invitae Variant Classification Sherloc (09022015). Collection method: clinical testing. Allele origin: germline.

Ambry Genetics
Classification: Likely benign for Cardiovascular phenotype. Last evaluated: 2018-05-03. Review status: criteria provided, single submitter. Criteria: Ambry Variant Classification Scheme 2023. Collection method: clinical testing. Allele origin: germline.

NM_001267550.2(TTN):c.80892T>C (p.Asn26964=)

Genes: TTN (titin; minus strand), TTN-AS1 (TTN antisense RNA 1; plus strand). Cytogenetic location: 2q31.2.
Variant type: single nucleotide variant.
Coding change: c.80892T>C on transcript NM_001267550.2 (MANE Select); coding-DNA position 80892, T replaced by C.
Protein change: p.Asn26964=; no amino-acid change (asparagine 26964 retained).
Molecular consequence: synonymous variant.
Genome position (GRCh38, 1-based): chr2:178,565,240, A>G on the plus strand (T>C on the coding strand, the complement: TTN is on the minus strand). VCF-style: chr2-178565240-A-G. GRCh37 (hg19) VCF-style: chr2-179429967-A-G.
Other names: c.75969T>C, p.Asn25323= (NM_001256850.1); c.53697T>C, p.Asn17899= (NM_003319.4); c.73188T>C, p.Asn24396= (NM_133378.4); c.54072T>C, p.Asn18024= (NM_133432.3); c.54273T>C, p.Asn18091= (NM_133437.4).
Identifiers: ClinVar variation 1747092 (VCV001747092.9), dbSNP rs1368430407, ClinGen allele CA430251692.